The following is an entry in ClinVar:

ClinVar aggregate classification (germline): Uncertain significance (1 of 4 stars; one submission).

Conditions:
Dyskeratosis congenita, autosomal dominant 2. Identifiers: MedGen C3151443, MONDO:0013521, OMIM 613989.
Idiopathic Pulmonary Fibrosis. Also called: Idiopathic fibrosing alveolitis, chronic form; idiopathic fibrosing alveolitis. Identifiers: Orphanet 2032, MedGen C1800706, MeSH D054990, MONDO:0800504.

Allele frequency attached by ClinVar (database versions not stated): gnomAD 0.00001.

Submission:

Labcorp Genetics (formerly Invitae), Labcorp
Classification: Uncertain significance for Dyskeratosis congenita, autosomal dominant 2; Idiopathic Pulmonary Fibrosis. Last evaluated: 2023-02-24. Review status: criteria provided, single submitter. Criteria: Invitae Variant Classification Sherloc (09022015). Collection method: clinical testing. Allele origin: germline.
Comment: In summary, the available evidence is currently insufficient to determine the role of this variant in disease. Therefore, it has been classified as a Variant of Uncertain Significance. Advanced modeling of protein sequence and biophysical properties (such as structural, functional, and spatial information, amino acid conservation, physicochemical variation, residue mobility, and thermodynamic stability) performed at Invitae indicates that this missense variant is not expected to disrupt TERT protein function. This variant has not been reported in the literature in individuals affected with TERT-related conditions. This variant is not present in population databases (gnomAD no frequency). This sequence change replaces glycine, which is neutral and non-polar, with serine, which is neutral and polar, at codon 215 of the TERT protein (p.Gly215Ser).

NM_198253.3(TERT):c.643G>A (p.Gly215Ser)

Gene: TERT (telomerase reverse transcriptase; minus strand). Cytogenetic location: 5p15.33.
Variant type: single nucleotide variant.
Coding change: c.643G>A on transcript NM_198253.3 (MANE Select); coding-DNA position 643, G replaced by A.
Protein change: p.Gly215Ser; replaces glycine 215 with serine.
Molecular consequence: missense variant. On other transcripts: non-coding transcript variant (2).
Genome position (GRCh38, 1-based): chr5:1,294,243, C>T on the plus strand (G>A on the coding strand, the complement: TERT is on the minus strand). VCF-style: chr5-1294243-C-T. GRCh37 (hg19) VCF-style: chr5-1294358-C-T.
Other names: c.643G>A, p.Gly215Ser (NM_001193376.3, NM_003219.1); short protein forms G215S.
Identifiers: ClinVar variation 2944664 (VCV002944664.3), dbSNP rs1751223768, ClinGen allele CA359057115.